The following is an entry in ClinVar:

ClinVar aggregate classification (germline): Uncertain significance (1 of 4 stars; one submission).

Conditions:
Cardiovascular phenotype. Identifiers: MedGen CN230736.

Submission:

Ambry Genetics
Classification: Uncertain significance for Cardiovascular phenotype. Last evaluated: 2023-06-30. Review status: criteria provided, single submitter. Criteria: Ambry Variant Classification Scheme 2023. Collection method: clinical testing. Allele origin: germline.
Comment: The p.S2346N variant (also known as c.7037G>A), located in coding exon 2 of the ZNF469 gene, results from a G to A substitution at nucleotide position 7037. The serine at codon 2346 is replaced by asparagine, an amino acid with highly similar properties. This amino acid position is conserved. In addition, this alteration is predicted to be tolerated by in silico analysis. Since supporting evidence is limited at this time, the clinical significance of this alteration remains unclear.

NM_001367624.2(ZNF469):c.7121G>A (p.Ser2374Asn)

Gene: ZNF469 (zinc finger protein 469; plus strand). Cytogenetic location: 16q24.2.
Variant type: single nucleotide variant.
Coding change: c.7121G>A on transcript NM_001367624.2 (MANE Select); coding-DNA position 7121, G replaced by A.
Protein change: p.Ser2374Asn; replaces serine 2374 with asparagine.
Molecular consequence: missense variant.
Genome position (GRCh38, 1-based): chr16:88,434,591, G>A. VCF-style: chr16-88434591-G-A. GRCh37 (hg19) VCF-style: chr16-88500999-G-A.
Other names: NM_001127464.1:c.7037G>A; short protein forms S2374N.
Identifiers: ClinVar variation 2626114 (VCV002626114.2), dbSNP rs2507595488, ClinGen allele CA397108569.